The following is an entry in ClinVar:

ClinVar aggregate classification (germline): Conflicting classifications of pathogenicity. Review status: criteria provided, conflicting classifications (1 of 4 stars). 8 submissions from 7 submitters: Uncertain significance (2); Benign (1); Likely benign (4). 1 of the submissions does not count toward it. Last evaluated 2026-01-22.

Conditions:
Hereditary cancer-predisposing syndrome. Also called: Tumor predisposition; Hereditary Cancer Syndrome; Hereditary neoplastic syndrome; Neoplastic Syndromes, Hereditary. Identifiers: Orphanet 140162, MedGen C0027672, MeSH D009386, MONDO:0015356.
Holoprosencephaly 7 (HPE7). Identifiers: Orphanet 2162, MedGen C1835820, MONDO:0012562, OMIM 610828.
Gorlin syndrome. Also called: Basal cell nevus syndrome; Nevoid Basal Cell Carcinoma Syndrome. Identifiers: Orphanet 377, MedGen C0004779, MONDO:0007187.
PTCH1-related disorder. Also called: PTCH1-related disorders; PTCH1-related condition.

Allele frequency attached by ClinVar (database versions not stated): gnomAD exomes below 0.00001; TOPMed below 0.00001; ExAC 0.00001; gnomAD 0.00001.

Submissions (8):

Labcorp Genetics (formerly Invitae), Labcorp
Classification: Likely benign for Gorlin syndrome. Last evaluated: 2026-01-22. Review status: criteria provided, single submitter. Criteria: Invitae Variant Classification Sherloc (09022015). Collection method: clinical testing. Allele origin: germline.

CeGaT Center for Human Genetics Tuebingen
Classification: Likely benign. Last evaluated: 2025-06-01. Review status: criteria provided, single submitter. Criteria: CeGaT Center For Human Genetics Tuebingen Variant Classification Criteria Version 2. Collection method: clinical testing. Allele origin: germline. Affected: yes. Observed: 2 variant alleles.
Comment: PTCH1: BP4, BP7

Laboratory of Genetics, Children's Clinical University Hospital Latvia
Classification: Benign. Last evaluated: 2025-02-16. Review status: criteria provided, single submitter. Criteria: ACMG Guidelines, 2015. Collection method: clinical testing. Allele origin: germline. Affected: yes.

Blueprint Genetics
Classification: Likely benign. Last evaluated: 2021-09-16. Review status: criteria provided, single submitter. Criteria: ACMG Guidelines, 2015. Collection method: clinical testing. Allele origin: germline.

Ambry Genetics
Classification: Likely benign for Hereditary cancer-predisposing syndrome. Last evaluated: 2018-07-31. Review status: criteria provided, single submitter. Criteria: Ambry Variant Classification Scheme 2023. Collection method: clinical testing. Allele origin: germline.

Illumina Laboratory Services, Illumina
Classification: Uncertain significance for Holoprosencephaly 7. Last evaluated: 2018-01-13. Review status: criteria provided, single submitter. Criteria: ICSL Variant Classification Criteria 13 December 2019. Collection method: clinical testing. Allele origin: germline.

Illumina Laboratory Services, Illumina
Classification: Uncertain significance for Basal cell nevus syndrome 1. Last evaluated: 2018-01-13. Review status: criteria provided, single submitter. Criteria: ICSL Variant Classification Criteria 13 December 2019. Collection method: clinical testing. Allele origin: germline.

PreventionGenetics, part of Exact Sciences
Classification: Likely benign for PTCH1-related condition. Last evaluated: 2022-06-07. Review status: no assertion criteria provided. Collection method: clinical testing. Allele origin: germline. Not counted in ClinVar's aggregate classification.
Comment: This variant is classified as likely benign based on ACMG/AMP sequence variant interpretation guidelines (Richards et al. 2015 PMID: 25741868, with internal and published modifications).

NM_000264.5(PTCH1):c.1653G>A (p.Thr551=)

Gene: PTCH1 (patched 1; minus strand). Cytogenetic location: 9q22.32.
Variant type: single nucleotide variant.
Coding change: c.1653G>A on transcript NM_000264.5 (MANE Select); coding-DNA position 1653, G replaced by A.
Protein change: p.Thr551=; no amino-acid change (threonine 551 retained).
Molecular consequence: synonymous variant. On other transcripts: non-coding transcript variant (1).
Genome position (GRCh38, 1-based): chr9:95,476,109, C>T on the plus strand (G>A on the coding strand, the complement: PTCH1 is on the minus strand). VCF-style: chr9-95476109-C-T. GRCh37 (hg19) VCF-style: chr9-98238391-C-T.
Other names: c.1455G>A, p.Thr485= (NM_001083602.3); c.1650G>A, p.Thr550= (NM_001083603.3); c.1200G>A, p.Thr400= (NM_001083604.3, NM_001083605.3, NM_001083606.3 and 1 more transcripts); c.1497G>A, p.Thr499= (NM_001354918.2).
Identifiers: ClinVar variation 367670 (VCV000367670.31), dbSNP rs766039170, ClinGen allele CA5138589.
Genomic context (GRCh38, chr9:95,476,109, plus strand): 5'-CCGCAGAGCGGGAATTGGGATTAACGCGGCCATGAAGAAGGCTGTGACATTGCTGATGGA[C>T]GTGAGGGCCACGCTGGCTCCTGTGCGCTTCAGGCACTCCCCGGTCCTGTCCTGGGAATAA-3'
Protein context (NP_000255.2, residues 541-561): LKRTGASVAL[Thr551=]SISNVTAFFM